The following is an entry in ClinVar:

ClinVar aggregate classification (germline): Pathogenic. Review status: criteria provided, multiple submitters, no conflicts (2 of 4 stars). 2 submissions from 2 submitters: Pathogenic (2). Last evaluated 2024-09-19.

Allele frequency attached by ClinVar (database versions not stated): gnomAD exomes below 0.00001; TOPMed below 0.00001; ExAC 0.00001.

Submissions (2):

Labcorp Genetics (formerly Invitae), Labcorp
Classification: Pathogenic. Last evaluated: 2024-09-19. Review status: criteria provided, single submitter. Criteria: Invitae Variant Classification Sherloc (09022015). Collection method: clinical testing. Allele origin: germline.
Comment: This sequence change creates a premature translational stop signal (p.Glu757Glyfs*4) in the IMPG2 gene. It is expected to result in an absent or disrupted protein product. Loss-of-function variants in IMPG2 are known to be pathogenic (PMID: 20673862). This variant is present in population databases (rs746117535, gnomAD 0.003%). This variant has not been reported in the literature in individuals affected with IMPG2-related conditions. ClinVar contains an entry for this variant (Variation ID: 1454130). For these reasons, this variant has been classified as Pathogenic.

GeneDx
Classification: Pathogenic. Last evaluated: 2022-07-07. Review status: criteria provided, single submitter. Criteria: GeneDx Variant Classification Process June 2021. Collection method: clinical testing. Allele origin: germline. Affected: yes.
Comment: Frameshift variant predicted to result in protein truncation or nonsense mediated decay in a gene for which loss of function is a known mechanism of disease; Not observed at significant frequency in large population cohorts (gnomAD); Has not been previously published as pathogenic or benign to our knowledge

Literature cited by the submitters: PubMed 20673862 (cited by Labcorp Genetics (formerly Invitae), Labcorp).

NM_016247.4(IMPG2):c.2269dup (p.Glu757fs)

Gene: IMPG2 (interphotoreceptor matrix proteoglycan 2; minus strand). Cytogenetic location: 3q12.3.
Variant type: Duplication.
Coding change: c.2269dup on transcript NM_016247.4 (MANE Select); coding-DNA position 2269, one base duplicated (G; older notation c.2269dupG).
Protein change: p.Glu757fs; shifts the reading frame from glutamic acid 757.
Molecular consequence: frameshift variant.
Genome position (GRCh38, 1-based): chr3:101,244,062, C duplicated on the plus strand (G on the coding strand, the reverse complement: IMPG2 is on the minus strand). VCF-style (leftmost placement, unchanged base first): chr3-101244061-T-TC. GRCh37 (hg19) VCF-style: chr3-100962905-T-TC.
Other names: short protein forms E757fs.
Identifiers: ClinVar variation 1454130 (VCV001454130.7), dbSNP rs746117535, ClinGen allele CA2519005.